The following is an entry in ClinVar:

NM_030632.3(ASXL3):c.1897_1898del (p.Gln633fs)

Gene: ASXL3 (ASXL transcriptional regulator 3; plus strand). Cytogenetic location: 18q12.1.
Variant type: Microsatellite.
Coding change: c.1897_1898del on transcript NM_030632.3 (MANE Select); coding-DNA positions 1897 to 1898, 2 bases deleted (CA; older notation c.1897_1898delCA).
Protein change: p.Gln633fs; shifts the reading frame from glutamine 633.
Molecular consequence: frameshift variant.
Genome position (GRCh38, 1-based): chr18:33,739,301-33,739,302, CA deleted; deleting any 2 consecutive bases within chr18:33,739,298-33,739,302 gives the same sequence; the c. name uses the placement nearest the transcript's 3' end. VCF-style (leftmost placement, unchanged base first): chr18-33739297-AAC-A. GRCh37 (hg19) VCF-style: chr18-31319261-AAC-A.
Other names: short protein forms Q633fs.
Identifiers: ClinVar variation 1806649 (VCV001806649.1), dbSNP rs2510917990, ClinGen allele CA2580612976.

ClinVar aggregate classification (germline): Pathogenic (1 of 4 stars; one submission).

Submission:

GeneDx
Classification: Pathogenic. Last evaluated: 2022-12-21. Review status: criteria provided, single submitter. Criteria: GeneDx Variant Classification Process June 2021. Collection method: clinical testing. Allele origin: germline. Affected: yes.
Comment: Frameshift variant predicted to result in protein truncation or nonsense mediated decay in a gene for which loss of function is a known mechanism of disease; Not observed at significant frequency in large population cohorts (gnomAD); This variant is associated with the following publications: (PMID: 25473036, 24044690, 26647312, 34800434, 35276034, 31031587)